The following is an entry in ClinVar:

ClinVar aggregate classification (germline): Uncertain significance (1 of 4 stars; one submission).

Allele frequency attached by ClinVar (database versions not stated): gnomAD exomes below 0.00001; ExAC 0.00008; gnomAD 0.00001.
gnomAD v4.1: 3 of 1,555,484 alleles (0.00019%); highest among the groups gnomAD compares: East Asian, 0.0024%; no homozygotes.

Submission:

GeneDx
Classification: Uncertain significance. Last evaluated: 2026-08-30. Review status: criteria provided, single submitter. Criteria: GeneDx Variant Classification Process June 2021. Collection method: clinical testing. Allele origin: germline.
Comment: In silico analysis suggests that this missense variant does not alter protein structure/function; Has not been previously published as pathogenic or benign to our knowledge

NM_007118.4(TRIO):c.7351G>A (p.Ala2451Thr)

Gene: TRIO (trio Rho guanine nucleotide exchange factor; plus strand). Cytogenetic location: 5p15.2.
Variant type: single nucleotide variant.
Coding change: c.7351G>A on transcript NM_007118.4 (MANE Select); coding-DNA position 7351, G replaced by A.
Protein change: p.Ala2451Thr; replaces alanine 2451 with threonine.
Molecular consequence: missense variant.
Genome position (GRCh38, 1-based): chr5:14,487,979, G>A. VCF-style: chr5-14487979-G-A. GRCh37 (hg19) VCF-style: chr5-14488088-G-A.
Other names: short protein forms A2451T.
Identifiers: ClinVar variation 1691616 (VCV001691616.4), dbSNP rs764017310, ClinGen allele CA3207379.